The following is an entry in ClinVar:

NM_001144952.2(SDK2):c.4371T>C (p.Asn1457=)

Gene: SDK2 (sidekick cell adhesion molecule 2; minus strand). Cytogenetic location: 17q25.1.
Variant type: single nucleotide variant.
Coding change: c.4371T>C on transcript NM_001144952.2 (MANE Select); coding-DNA position 4371, T replaced by C.
Protein change: p.Asn1457=; no amino-acid change (asparagine 1457 retained).
Molecular consequence: synonymous variant.
Genome position (GRCh38, 1-based): chr17:73,387,859, A>G on the plus strand (T>C on the coding strand, the complement: SDK2 is on the minus strand). VCF-style: chr17-73387859-A-G. GRCh37 (hg19) VCF-style: chr17-71383998-A-G.
Identifiers: ClinVar variation 3057005 (VCV003057005.2), dbSNP rs115502230, ClinGen allele CA8742809.
Genomic context (GRCh38, chr17:73,387,859, plus strand): 5'-GGGGCAGTGGGGATGCTGGCATGGACCCGAGCCTTACCTGTCCACAATGAAGCTGGAGGC[A>G]TTGTGGCTCACGGAGGCCGAGTGCAGTGCCCACCTGCCGCTGGGCAGCTCGCGGGTCTGG-3'
Protein context (NP_001138424.1, residues 1447-1467): WALHSASVSH[Asn1457=]ASSFIVDRLK

ClinVar aggregate classification (germline): Benign (0 of 4 stars; one submission).

Conditions:
SDK2-related disorder. Also called: SDK2-related condition.

Allele frequency attached by ClinVar (database versions not stated): gnomAD exomes 0.00346; ESP Exome Variant Server 0.00624; gnomAD 0.00921; TOPMed 0.00975; ExAC 0.02321; 1000 Genomes Project 30x 0.02374; 1000 Genomes Project 0.02556.
gnomAD v4.1: 6,497 of 1,585,894 alleles (0.41%); highest among the groups gnomAD compares: East Asian, 7.9%; 181 homozygotes.

Submission:

PreventionGenetics, part of Exact Sciences
Classification: Benign for SDK2-related condition. Last evaluated: 2019-04-01. Review status: no assertion criteria provided. Collection method: clinical testing. Allele origin: germline.
Comment: This variant is classified as benign based on ACMG/AMP sequence variant interpretation guidelines (Richards et al. 2015 PMID: 25741868, with internal and published modifications).